The following is an entry in ClinVar:

ClinVar aggregate classification (germline): Uncertain significance. Review status: criteria provided, multiple submitters, no conflicts (2 of 4 stars). 2 submissions from 2 submitters: Uncertain significance (2). Last evaluated 2025-12-16.

Conditions:
Menkes kinky-hair syndrome (MNK). Also called: Copper transport disease; Classic Menkes Disease; Menkes Disease. Identifiers: Orphanet 565, MedGen C0022716, MONDO:0010651, OMIM 309400.
Cutis laxa, X-linked (OHS). Also called: EDS IX; Occipital horn syndrome. Identifiers: Orphanet 198, MedGen C0268353, MONDO:0010572, OMIM 304150.
X-linked distal spinal muscular atrophy type 3. Also called: SPINAL MUSCULAR ATROPHY, DISTAL, X-LINKED RECESSIVE; ATP7A-Related Distal Motor Neuropathy; NEURONOPATHY, DISTAL HEREDITARY MOTOR, X-LINKED; NEUROPATHY, DISTAL HEREDITARY MOTOR, X-LINKED. Identifiers: Orphanet 139557, MedGen C1845359, MONDO:0010338, OMIM 300489.

Submissions (2):

Labcorp Genetics (formerly Invitae), Labcorp
Classification: Uncertain significance for X-linked distal spinal muscular atrophy type 3; Cutis laxa, X-linked; Menkes kinky-hair syndrome. Last evaluated: 2025-12-16. Review status: criteria provided, single submitter. Criteria: Invitae Variant Classification Sherloc (09022015). Collection method: clinical testing. Allele origin: germline.
Comment: This sequence change replaces glutamic acid, which is acidic and polar, with glutamine, which is neutral and polar, at codon 583 of the ATP7A protein (p.Glu583Gln). This variant is not present in population databases (gnomAD no frequency). This variant has not been reported in the literature in individuals affected with ATP7A-related conditions. ClinVar contains an entry for this variant (Variation ID: 1709152). Invitae Evidence Modeling of protein sequence and biophysical properties (such as structural, functional, and spatial information, amino acid conservation, physicochemical variation, residue mobility, and thermodynamic stability) indicates that this missense variant is not expected to disrupt ATP7A protein function with a negative predictive value of 95%. In summary, the available evidence is currently insufficient to determine the role of this variant in disease. Therefore, it has been classified as a Variant of Uncertain Significance.

MGZ Medical Genetics Center
Classification: Uncertain significance for Menkes kinky-hair syndrome. Last evaluated: 2022-04-07. Review status: criteria provided, single submitter. Criteria: ACMG Guidelines, 2015. Collection method: clinical testing. Allele origin: germline. Affected: yes. Observed: 1 variant allele.
Comment: ACMG criteria applied: PM2_SUP, PP3

NM_000052.7(ATP7A):c.1747G>C (p.Glu583Gln)

Gene: ATP7A (ATPase copper transporting alpha; plus strand). Cytogenetic location: Xq21.1.
Variant type: single nucleotide variant.
Coding change: c.1747G>C on transcript NM_000052.7 (MANE Select); coding-DNA position 1747, G replaced by C.
Protein change: p.Glu583Gln; replaces glutamic acid 583 with glutamine.
Molecular consequence: missense variant.
Genome position (GRCh38, 1-based): chrX:78,009,141, G>C. VCF-style: chrX-78009141-G-C. GRCh37 (hg19) VCF-style: chrX-77264638-G-C.
Other names: c.1747G>C, p.Glu583Gln (NM_001282224.2); short protein forms E583Q.
Identifiers: ClinVar variation 1709152 (VCV001709152.3), dbSNP rs2522341102, ClinGen allele CA413596948.